The following is an entry in ClinVar:

NM_003632.3(CNTNAP1):c.3657_3660dup (p.Leu1221fs)

Gene: CNTNAP1 (contactin associated protein 1; plus strand). Cytogenetic location: 17q21.2.
Variant type: Duplication.
Coding change: c.3657_3660dup on transcript NM_003632.3 (MANE Select); coding-DNA positions 3657 to 3660, 4 bases duplicated (TCCC; older notation c.3657_3660dupTCCC).
Protein change: p.Leu1221fs; shifts the reading frame from leucine 1221.
Molecular consequence: frameshift variant.
Genome position (GRCh38, 1-based): chr17:42,697,642-42,697,645, TCCC duplicated; duplicating any 4 consecutive bases within chr17:42,697,641-42,697,645 gives the same sequence; the c. name uses the placement nearest the transcript's 3' end. VCF-style (leftmost placement, unchanged base first): chr17-42697640-G-GCTCC. GRCh37 (hg19) VCF-style: chr17-40849658-G-GCTCC.
Other names: short protein forms L1221fs.
Identifiers: ClinVar variation 1032140 (VCV001032140.1), dbSNP rs2053168326, ClinGen allele CA2260602771.
Genomic context (GRCh38, chr17:42,697,640, plus strand): 5'-CAGCGCTACAACACCCCAGGTTTCTCAGGCTGCCTGTCTGGTGTTCGATTCAACAACGTG[G>GCTCC]CTCCCCTCAAGACCCACTTCCGAACCCCTCGACCCATGACTGCTGAGCTAGCTGAGGCCC-3'

ClinVar aggregate classification (germline): Pathogenic (1 of 4 stars; one submission).

Conditions:
Lethal congenital contracture syndrome 7 (LCCS7). Identifiers: MedGen C4225386, MONDO:0014569, OMIM 616286.

Submission:

Baylor Genetics
Classification: Pathogenic for Lethal congenital contracture syndrome 7. Last evaluated: 2018-01-24. Review status: criteria provided, single submitter. Criteria: ACMG Guidelines, 2015. Collection method: clinical testing. Allele origin: unknown. Affected: yes.
Comment: This variant was determined to be pathogenic according to ACMG Guidelines, 2015 [PMID:25741868]. Defects in CNTNAP1 are associated with congenital hypomyelinating neuropathy (CHN) [PMID: 28374019,27818385]

Literature cited by the submitters: PubMed 28374019; PubMed 27818385.